The following is an entry in ClinVar:

NM_003238.6(TGFB2):c.979A>G (p.Lys327Glu)

Gene: TGFB2 (transforming growth factor beta 2; plus strand). Cytogenetic location: 1q41.
Variant type: single nucleotide variant.
Coding change: c.979A>G on transcript NM_003238.6 (MANE Select); coding-DNA position 979, A replaced by G.
Protein change: p.Lys327Glu; replaces lysine 327 with glutamic acid.
Molecular consequence: missense variant. On other transcripts: non-coding transcript variant (2).
Genome position (GRCh38, 1-based): chr1:218,437,389, A>G. VCF-style: chr1-218437389-A-G. GRCh37 (hg19) VCF-style: chr1-218610731-A-G.
Other names: c.1063A>G, p.Lys355Glu (NM_001135599.4); short protein forms K355E, K327E.
Identifiers: ClinVar variation 3656966 (VCV003656966.2).

ClinVar aggregate classification (germline): Uncertain significance (1 of 4 stars; one submission).

Conditions:
Loeys-Dietz syndrome 4 (LDS4). Also called: TGFB2-Related Loeys-Dietz Syndrome; ANEURYSM, AORTIC AND CEREBRAL, WITH ARTERIAL TORTUOSITY AND SKELETAL MANIFESTATIONS. Identifiers: MedGen C3553762, MONDO:0013897, OMIM 614816.

gnomAD v4.1: 1 of 1,612,622 alleles (0.000062%); highest among the groups gnomAD compares: Non-Finnish European, 0.000085%; no homozygotes.

Submission:

Labcorp Genetics (formerly Invitae), Labcorp
Classification: Uncertain significance for Loeys-Dietz syndrome 4. Last evaluated: 2025-12-03. Review status: criteria provided, single submitter. Criteria: Invitae Variant Classification Sherloc (09022015). Collection method: clinical testing. Allele origin: germline.
Comment: This sequence change replaces lysine, which is basic and polar, with glutamic acid, which is acidic and polar, at codon 327 of the TGFB2 protein (p.Lys327Glu). This variant is not present in population databases (gnomAD no frequency). This variant has not been reported in the literature in individuals affected with TGFB2-related conditions. ClinVar contains an entry for this variant (Variation ID: 3656966). Invitae Evidence Modeling of protein sequence and biophysical properties (such as structural, functional, and spatial information, amino acid conservation, physicochemical variation, residue mobility, and thermodynamic stability) indicates that this missense variant is not expected to disrupt TGFB2 protein function with a negative predictive value of 80%. In summary, the available evidence is currently insufficient to determine the role of this variant in disease. Therefore, it has been classified as a Variant of Uncertain Significance.